The following is an entry in ClinVar:

NM_030665.4(RAI1):c.3473C>T (p.Ser1158Phe)

Gene: RAI1 (retinoic acid induced 1; plus strand). Cytogenetic location: 17p11.2.
Variant type: single nucleotide variant.
Coding change: c.3473C>T on transcript NM_030665.4 (MANE Select); coding-DNA position 3473, C replaced by T.
Protein change: p.Ser1158Phe; replaces serine 1158 with phenylalanine.
Molecular consequence: missense variant.
Genome position (GRCh38, 1-based): chr17:17,796,421, C>T. VCF-style: chr17-17796421-C-T. GRCh37 (hg19) VCF-style: chr17-17699735-C-T.
Other names: c.3473C>T (NM_030665.3); short protein forms S1158F.
Identifiers: ClinVar variation 4770151 (VCV004770151.2).

ClinVar aggregate classification (germline): Uncertain significance. Review status: criteria provided, multiple submitters, no conflicts (2 of 4 stars). 2 submissions from 2 submitters: Uncertain significance (2). Last evaluated 2025-12-21.

Conditions:
RAI1-related disorder. Also called: RAI1-related condition.

gnomAD v4.1: 1 of 1,613,532 alleles (0.000062%); no homozygotes.

Submissions (2):

Labcorp Genetics (formerly Invitae), Labcorp
Classification: Uncertain significance. Last evaluated: 2025-12-21. Review status: criteria provided, single submitter. Criteria: Invitae Variant Classification Sherloc (09022015). Collection method: clinical testing. Allele origin: germline.
Comment: This sequence change replaces serine, which is neutral and polar, with phenylalanine, which is neutral and non-polar, at codon 1158 of the RAI1 protein (p.Ser1158Phe). This variant is not present in population databases (gnomAD no frequency). This variant has not been reported in the literature in individuals affected with RAI1-related conditions. Invitae Evidence Modeling of protein sequence and biophysical properties (such as structural, functional, and spatial information, amino acid conservation, physicochemical variation, residue mobility, and thermodynamic stability) indicates that this missense variant is not expected to disrupt RAI1 protein function with a negative predictive value of 80%. In summary, the available evidence is currently insufficient to determine the role of this variant in disease. Therefore, it has been classified as a Variant of Uncertain Significance.

PreventionGenetics, part of Exact Sciences
Classification: Uncertain significance for RAI1-related condition. Last evaluated: 2025-02-24. Review status: criteria provided, single submitter. Criteria: ACMG Guidelines, 2015. Collection method: clinical testing. Allele origin: germline.
Comment: The RAI1 c.3473C>T variant is predicted to result in the amino acid substitution p.Ser1158Phe. To our knowledge, this variant has not been reported in the literature or in a large population database (gnomAD), indicating this variant is rare. At this time, the clinical significance of this variant is uncertain due to the absence of conclusive functional and genetic evidence.